The following is an entry in ClinVar:

NM_023068.4(SIGLEC1):c.2944+6G>A

Gene: SIGLEC1 (sialic acid binding Ig like lectin 1; minus strand). Cytogenetic location: 20p13.
Variant type: single nucleotide variant.
Coding change: c.2944+6G>A on transcript NM_023068.4 (MANE Select); 6 bases into the intron after coding-DNA position 2944, G replaced by A.
Molecular consequence: intron variant.
Genome position (GRCh38, 1-based): chr20:3,694,657, C>T on the plus strand (G>A on the coding strand, the complement: SIGLEC1 is on the minus strand). VCF-style: chr20-3694657-C-T. GRCh37 (hg19) VCF-style: chr20-3675304-C-T.
Other names: c.2944+6G>A (NM_001367089.1).
Identifiers: ClinVar variation 3388451 (VCV003388451.14).

ClinVar aggregate classification (germline): Uncertain significance (1 of 4 stars; one submission).

Submission:

CeGaT Center for Human Genetics Tuebingen
Classification: Uncertain significance. Last evaluated: 2024-12-01. Review status: criteria provided, single submitter. Criteria: CeGaT Center For Human Genetics Tuebingen Variant Classification Criteria Version 2. Collection method: clinical testing. Allele origin: germline. Affected: yes. Observed: 1 variant allele.
Comment: SIGLEC1: PM2, BP4